The following is an entry in ClinVar:

NM_000260.4(MYO7A):c.6546C>A (p.Cys2182Ter)

Gene: MYO7A (myosin VIIA; plus strand). Cytogenetic location: 11q13.5.
Variant type: single nucleotide variant.
Coding change: c.6546C>A on transcript NM_000260.4 (MANE Select); coding-DNA position 6546, C replaced by A.
Protein change: p.Cys2182Ter; replaces cysteine 2182 with a stop codon.
Molecular consequence: nonsense.
Genome position (GRCh38, 1-based): chr11:77,213,967, C>A. VCF-style: chr11-77213967-C-A. GRCh37 (hg19) VCF-style: chr11-76925012-C-A.
Other names: c.6426C>A, p.Cys2142Ter (NM_001127180.2); c.6399C>A, p.Cys2133Ter (NM_001369365.1); short protein forms C2133*, C2142*, C2182*.
Identifiers: ClinVar variation 2129883 (VCV002129883.4), dbSNP rs185748200, ClinGen allele CA381938295.
Genomic context (GRCh38, chr11:77,213,967, plus strand): 5'-CGGCAACACCTACTTCCACATCACCATTGGGAACTTGGTGCGCGGGAGCAAACTGCTCTG[C>A]GAGACGTCACTGGTGAGGGCGCATCCTGCTGGGCCTAGTGGGCTCCCTGCCTTGCCTGCA-3'

ClinVar aggregate classification (germline): Pathogenic (1 of 4 stars; one submission).

gnomAD v4.1: 1 of 1,614,050 alleles (0.000062%); highest among the groups gnomAD compares: East Asian, 0.0022%; no homozygotes.

Submission:

Labcorp Genetics (formerly Invitae), Labcorp
Classification: Pathogenic. Last evaluated: 2022-08-24. Review status: criteria provided, single submitter. Criteria: Invitae Variant Classification Sherloc (09022015). Collection method: clinical testing. Allele origin: germline.
Comment: This sequence change creates a premature translational stop signal (p.Cys2182*) in the MYO7A gene. While this is not anticipated to result in nonsense mediated decay, it is expected to disrupt the last 34 amino acid(s) of the MYO7A protein. For these reasons, this variant has been classified as Pathogenic. This variant disrupts a region of the MYO7A protein in which other variant(s) (p.Thr2184Met) have been determined to be pathogenic (PMID: 26791358, 28041643). This suggests that this is a clinically significant region of the protein, and that variants that disrupt it are likely to be disease-causing. Algorithms developed to predict the effect of sequence changes on RNA splicing suggest that this variant may create or strengthen a splice site. This variant has not been reported in the literature in individuals affected with MYO7A-related conditions. This variant is not present in population databases (gnomAD no frequency).

Literature cited by the submitters: PubMed 26791358; PubMed 28041643.